The following is an entry in ClinVar:

ClinVar aggregate classification (germline): Uncertain significance (1 of 4 stars; one submission).

Allele frequency attached by ClinVar (database versions not stated): gnomAD 0.00001; gnomAD exomes 0.00003 and 0.00004; ExAC 0.00004.
gnomAD v4.1: 67 of 1,613,980 alleles (0.0042%); highest among the groups gnomAD compares: South Asian, 0.018%; 1 homozygote.

Submission:

Labcorp Genetics (formerly Invitae), Labcorp
Classification: Uncertain significance. Last evaluated: 2021-08-24. Review status: criteria provided, single submitter. Criteria: Invitae Variant Classification Sherloc (09022015). Collection method: clinical testing. Allele origin: germline.
Comment: This sequence change replaces serine with leucine at codon 5 of the LRRK1 protein (p.Ser5Leu). The serine residue is weakly conserved and there is a large physicochemical difference between serine and leucine. This variant is present in population databases (rs748591648, ExAC 0.01%). This variant has not been reported in the literature in individuals affected with LRRK1-related conditions. Algorithms developed to predict the effect of missense changes on protein structure and function are either unavailable or do not agree on the potential impact of this missense change (SIFT: "Deleterious"; PolyPhen-2: "Benign"; Align-GVGD: "Class C0"). In summary, the available evidence is currently insufficient to determine the role of this variant in disease. Therefore, it has been classified as a Variant of Uncertain Significance.

NM_024652.6(LRRK1):c.14C>T (p.Ser5Leu)

Gene: LRRK1 (leucine rich repeat kinase 1; plus strand). Cytogenetic location: 15q26.3.
Variant type: single nucleotide variant.
Coding change: c.14C>T on transcript NM_024652.6 (MANE Select); coding-DNA position 14, C replaced by T.
Protein change: p.Ser5Leu; replaces serine 5 with leucine.
Molecular consequence: missense variant.
Genome position (GRCh38, 1-based): chr15:100,924,646, C>T. VCF-style: chr15-100924646-C-T. GRCh37 (hg19) VCF-style: chr15-101464851-C-T.
Other names: short protein forms S5L.
Identifiers: ClinVar variation 1518074 (VCV001518074.5), dbSNP rs748591648, ClinGen allele CA7760468.